The following is an entry in ClinVar:

NM_015443.4(KANSL1):c.1417A>G (p.Ile473Val)

Gene: KANSL1 (KAT8 regulatory NSL complex subunit 1). Cytogenetic location: 17q21.31.
Variant type: single nucleotide variant.
Coding change: c.1417A>G on transcript NM_015443.4 (MANE Select); coding-DNA position 1417, A replaced by G.
Protein change: p.Ile473Val; replaces isoleucine 473 with valine.
Molecular consequence: missense variant.
Genome position (GRCh38, 1-based): chr17:46,094,574, T>C on the plus strand (A>G on the coding strand, the complement: KANSL1 is on the minus strand). VCF-style: chr17-46094574-T-C. GRCh37 (hg19) VCF-style: chr17-44171940-T-C.
Other names: c.1417A>G, p.Ile473Val (NM_001405861.1, NM_001405872.1, NM_001405873.1 and 18 more transcripts); c.151A>G, p.Ile51Val (NM_001405882.1, NM_001405883.1, NM_001405884.1 and 1 more transcripts); short protein forms I473V, I51V.
Identifiers: ClinVar variation 3862406 (VCV003862406.2).

ClinVar aggregate classification (germline): Uncertain significance (1 of 4 stars; one submission).

Conditions:
Inborn genetic diseases. Identifiers: MedGen C0950123, MeSH D030342.

Submission:

Ambry Genetics
Classification: Uncertain significance for Inborn genetic diseases. Last evaluated: 2026-05-07. Review status: criteria provided, single submitter. Criteria: Ambry Variant Classification Scheme 2023. Collection method: clinical testing. Allele origin: germline.
Comment: The c.1417A>G (p.I473V) alteration is located in exon 3 (coding exon 2) of the KANSL1 gene. This alteration results from an A to G substitution at nucleotide position 1417, causing the isoleucine (I) at amino acid position 473 to be replaced by a valine (V). This variant was not reported in population-based cohorts in the Genome Aggregation Database (gnomAD). This amino acid position is highly conserved in available vertebrate species. RNA studies have demonstrated that this alteration results in a transcript predicted to lead to a protein with an in-frame deletion of 5 amino acids; however, the exact functional impact of the deleted amino acids is unknown at this time (Ambry internal data). This amino acid change is predicted to be tolerated by in silico analysis. In silico splice site analysis predicts that this nucleotide change will weaken the native splice donor site and will result in the creation or strengthening of a novel splice donor site. Based on insufficient or conflicting evidence, the clinical significance of this alteration remains unclear.